The following is an entry in ClinVar:

NM_005811.5(GDF11):c.893G>A (p.Arg298Gln)

Gene: GDF11 (growth differentiation factor 11; plus strand). Cytogenetic location: 12q13.2.
Variant type: single nucleotide variant.
Coding change: c.893G>A on transcript NM_005811.5 (MANE Select); coding-DNA position 893, G replaced by A.
Protein change: p.Arg298Gln; replaces arginine 298 with glutamine.
Molecular consequence: missense variant.
Genome position (GRCh38, 1-based): chr12:55,749,551, G>A. VCF-style: chr12-55749551-G-A. GRCh37 (hg19) VCF-style: chr12-56143335-G-A.
Other names: short protein forms R298Q.
Identifiers: ClinVar variation 982234 (VCV000982234.5), dbSNP rs1878258280, ClinGen allele CA385196601.

ClinVar aggregate classification (germline): Uncertain significance. Review status: criteria provided, multiple submitters, no conflicts (2 of 4 stars). 4 submissions from 4 submitters: Uncertain significance (2). 2 of the submissions do not count toward it. Last evaluated 2026-03-03.

Conditions:
Orofacial cleft. Also called: Orofacial clefting; Oral cleft. Identifiers: MedGen C3266076, MONDO:0000358, HP:0000202.
Vertebral hypersegmentation and orofacial anomalies. Identifiers: MedGen C5436851, MONDO:0030871, OMIM 619122.

Submissions (4):

Dasa
Classification: Uncertain significance. Last evaluated: 2026-03-03. Review status: criteria provided, single submitter. Criteria: DASA Assertion Criteria. Collection method: clinical testing. Allele origin: germline.
Comment: NM_005811.5(GDF11):c.893G>A (p.Arg298Gln) is a missense variant that results in the substitution of arginine with glutamine. Segregation data support an association with disease in the reported family/families (PMID: 31215115). Functional evidence supports an impact on the gene or gene product (PMID: 31215115). This variant has been reported in individuals with GDF11-related disorders (PMID: 31215115). Also, this variant is absent from population databases. Computational prediction algorithms are consistent with a deleterious effect. The currently available literature and clinical evidence are not sufficient to establish a definitive association between this variant and the reported condition. Therefore, this variant is classified as a variant of uncertain significance.

Blueprint Genetics
Classification: Uncertain significance. Last evaluated: 2021-11-26. Review status: criteria provided, single submitter. Criteria: ACMG Guidelines, 2015. Collection method: clinical testing. Allele origin: germline.

OMIM
Classification: Pathogenic for VERTEBRAL HYPERSEGMENTATION AND OROFACIAL ANOMALIES (1 family). Last evaluated: 2020-12-08. Review status: no assertion criteria provided. Collection method: literature only. Allele origin: germline. Not counted in ClinVar's aggregate classification.

University of Washington Center for Mendelian Genomics, University of Washington
Classification: Likely pathogenic for Orofacial clefting. Review status: no assertion criteria provided. Collection method: research. Allele origin: inherited. Affected: yes. Not counted in ClinVar's aggregate classification.

Literature cited by the submitters: PubMed 31215115 (cited by 3 submitters).